The following is an entry in ClinVar:

NM_001042646.3(TRAK1):c.2319C>T (p.Pro773=)

Gene: TRAK1 (trafficking kinesin protein 1; plus strand). Cytogenetic location: 3p22.1.
Variant type: single nucleotide variant.
Coding change: c.2319C>T on transcript NM_001042646.3 (MANE Select); coding-DNA position 2319, C replaced by T.
Protein change: p.Pro773=; no amino-acid change (proline 773 retained).
Molecular consequence: synonymous variant. On other transcripts: 3 prime UTR variant (1), non-coding transcript variant (1).
Genome position (GRCh38, 1-based): chr3:42,223,194, C>T. VCF-style: chr3-42223194-C-T. GRCh37 (hg19) VCF-style: chr3-42264686-C-T.
Other names: c.1944C>T, p.Pro648= (NM_001349245.1); c.2256C>T, p.Pro752= (NM_001349246.2); c.*273C>T (NM_001349247.2); c.2034C>T, p.Pro678= (NM_001349248.1); c.2097C>T, p.Pro699= (NM_001349249.1); c.2145C>T, p.Pro715= (NM_001410741.1).
Identifiers: ClinVar variation 3357027 (VCV003357027.1).
Genomic context (GRCh38, chr3:42,223,194, plus strand): 5'-GTACGACCCCCAGAGCTGGGACAGGGCCGGCCGGGGCTCCCTCCTGCACTCCTACACGCC[C>T]AAGATGGCTGTGATCCCCTCTACTCCGCCGAACTCGCCTATGCAGACACCCACATCCTCC-3'
Protein context (NP_001036111.1, residues 763-783): GRGSLLHSYT[Pro773=]KMAVIPSTPP

ClinVar aggregate classification (germline): Likely benign (0 of 4 stars; one submission).

Conditions:
TRAK1-related disorder. Also called: TRAK1-related condition.

gnomAD v4.1: 12 of 1,614,068 alleles (0.00074%); highest among the groups gnomAD compares: African/African-American, 0.015%; no homozygotes.

Submission:

PreventionGenetics, part of Exact Sciences
Classification: Likely benign for TRAK1-related condition. Last evaluated: 2019-08-22. Review status: no assertion criteria provided. Collection method: clinical testing. Allele origin: germline.
Comment: This variant is classified as likely benign based on ACMG/AMP sequence variant interpretation guidelines (Richards et al. 2015 PMID: 25741868, with internal and published modifications).